The following is an entry in ClinVar:

ClinVar aggregate classification (germline): Uncertain significance (1 of 4 stars; one submission).

Allele frequency attached by ClinVar (database versions not stated): gnomAD exomes below 0.00001; ExAC 0.00001.
gnomAD v4.1: 2 of 1,460,598 alleles (0.00014%); highest among the groups gnomAD compares: African/African-American, 0.0015%; no homozygotes.

Submission:

Labcorp Genetics (formerly Invitae), Labcorp
Classification: Uncertain significance. Last evaluated: 2021-08-10. Review status: criteria provided, single submitter. Criteria: Invitae Variant Classification Sherloc (09022015). Collection method: clinical testing. Allele origin: germline.
Comment: This sequence change replaces tyrosine with cysteine at codon 753 of the PROM1 protein (p.Tyr753Cys). The tyrosine residue is highly conserved and there is a large physicochemical difference between tyrosine and cysteine. This variant is present in population databases (rs769950356, ExAC 0.01%). This variant has not been reported in the literature in individuals affected with PROM1-related conditions. Algorithms developed to predict the effect of missense changes on protein structure and function are either unavailable or do not agree on the potential impact of this missense change (SIFT: "Deleterious"; PolyPhen-2: "Probably Damaging"; Align-GVGD: "Class C0"). In summary, the available evidence is currently insufficient to determine the role of this variant in disease. Therefore, it has been classified as a Variant of Uncertain Significance.

NM_006017.3(PROM1):c.2258A>G (p.Tyr753Cys)

Gene: PROM1 (prominin 1; minus strand). Cytogenetic location: 4p15.32.
Variant type: single nucleotide variant.
Coding change: c.2258A>G on transcript NM_006017.3 (MANE Select); coding-DNA position 2258, A replaced by G.
Protein change: p.Tyr753Cys; replaces tyrosine 753 with cysteine.
Molecular consequence: missense variant.
Genome position (GRCh38, 1-based): chr4:15,985,782, T>C on the plus strand (A>G on the coding strand, the complement: PROM1 is on the minus strand). VCF-style: chr4-15985782-T-C. GRCh37 (hg19) VCF-style: chr4-15987405-T-C.
Other names: c.2231A>G, p.Tyr744Cys (NM_001145847.2, NM_001145848.2, NM_001145851.2 and 4 more transcripts); c.2258A>G, p.Tyr753Cys (NM_001145849.2, NM_001145850.2); short protein forms Y744C, Y753C.
Identifiers: ClinVar variation 1409875 (VCV001409875.6), dbSNP rs769950356, ClinGen allele CA2866460.